The following is an entry in ClinVar:

NM_000368.5(TSC1):c.408G>T (p.Leu136Phe)

Gene: TSC1 (TSC complex subunit 1; minus strand). Cytogenetic location: 9q34.13.
Variant type: single nucleotide variant.
Coding change: c.408G>T on transcript NM_000368.5 (MANE Select); coding-DNA position 408, G replaced by T.
Protein change: p.Leu136Phe; replaces leucine 136 with phenylalanine.
Molecular consequence: missense variant. On other transcripts: 5 prime UTR variant (5), non-coding transcript variant (5).
Genome position (GRCh38, 1-based): chr9:132,923,448, C>A on the plus strand (G>T on the coding strand, the complement: TSC1 is on the minus strand). VCF-style: chr9-132923448-C-A. GRCh37 (hg19) VCF-style: chr9-135798835-C-A.
Other names: c.408G>T, p.Leu136Phe (NM_001406597.1, NM_001406598.1, NM_001406599.1 and 16 more transcripts); c.255G>T, p.Leu85Phe (NM_001162427.2, NM_001406610.1, NM_001406611.1 and 2 more transcripts); c.45G>T, p.Leu15Phe (NM_001362177.2, NM_001406616.1, NM_001406617.1 and 10 more transcripts); c.-470G>T (NM_001406626.1, NM_001406627.1, NM_001406628.1); c.-612G>T (NM_001406629.1); c.-686G>T (NM_001406630.1); short protein forms L136F, L15F, L85F.
Identifiers: ClinVar variation 2728087 (VCV002728087.3), dbSNP rs1416137360, ClinGen allele CA375373575.

ClinVar aggregate classification (germline): Uncertain significance (1 of 4 stars; one submission).

Conditions:
Tuberous sclerosis 1 (TSC1). Identifiers: Orphanet 805, MedGen C1854465, MONDO:0008612, OMIM 191100.

Submission:

Labcorp Genetics (formerly Invitae), Labcorp
Classification: Uncertain significance for Tuberous sclerosis 1. Last evaluated: 2024-04-11. Review status: criteria provided, single submitter. Criteria: Invitae Variant Classification Sherloc (09022015). Collection method: clinical testing. Allele origin: germline.
Comment: This sequence change replaces leucine, which is neutral and non-polar, with phenylalanine, which is neutral and non-polar, at codon 136 of the TSC1 protein (p.Leu136Phe). This variant is not present in population databases (gnomAD no frequency). This variant has not been reported in the literature in individuals affected with TSC1-related conditions. Advanced modeling of protein sequence and biophysical properties (such as structural, functional, and spatial information, amino acid conservation, physicochemical variation, residue mobility, and thermodynamic stability) performed at Invitae indicates that this missense variant is not expected to disrupt TSC1 protein function with a negative predictive value of 95%. In summary, the available evidence is currently insufficient to determine the role of this variant in disease. Therefore, it has been classified as a Variant of Uncertain Significance.